The following is an entry in ClinVar:

ClinVar aggregate classification (germline): Uncertain significance (1 of 4 stars; one submission).

Allele frequency attached by ClinVar (database versions not stated): TOPMed 0.00001; gnomAD 0.00002; gnomAD exomes 0.00002.
gnomAD v4.1: 20 of 1,209,514 alleles (0.0017%); highest among the groups gnomAD compares: East Asian, 0.018%; no homozygotes.

Submission:

Labcorp Genetics (formerly Invitae), Labcorp
Classification: Uncertain significance. Last evaluated: 2023-08-19. Review status: criteria provided, single submitter. Criteria: Invitae Variant Classification Sherloc (09022015). Collection method: clinical testing. Allele origin: germline.
Comment: This variant is present in population databases (rs200272242, gnomAD 0.008%). This variant has not been reported in the literature in individuals affected with SH3KBP1-related conditions. Advanced modeling of protein sequence and biophysical properties (such as structural, functional, and spatial information, amino acid conservation, physicochemical variation, residue mobility, and thermodynamic stability) performed at Invitae indicates that this missense variant is not expected to disrupt SH3KBP1 protein function. In summary, the available evidence is currently insufficient to determine the role of this variant in disease. Therefore, it has been classified as a Variant of Uncertain Significance. This sequence change replaces glycine, which is neutral and non-polar, with serine, which is neutral and polar, at codon 443 of the SH3KBP1 protein (p.Gly443Ser).

NM_031892.3(SH3KBP1):c.1327G>A (p.Gly443Ser)

Gene: SH3KBP1 (SH3 domain containing kinase binding protein 1; minus strand). Cytogenetic location: Xp22.12.
Variant type: single nucleotide variant.
Coding change: c.1327G>A on transcript NM_031892.3 (MANE Select); coding-DNA position 1327, G replaced by A.
Protein change: p.Gly443Ser; replaces glycine 443 with serine.
Molecular consequence: missense variant.
Genome position (GRCh38, 1-based): chrX:19,569,160, C>T on the plus strand (G>A on the coding strand, the complement: SH3KBP1 is on the minus strand). VCF-style: chrX-19569160-C-T. GRCh37 (hg19) VCF-style: chrX-19587278-C-T.
Other names: c.1216G>A, p.Gly406Ser (NM_001024666.3); c.613G>A, p.Gly205Ser (NM_001184960.2, NM_001353897.2); c.1327G>A, p.Gly443Ser (NM_001353890.2); c.1402G>A, p.Gly468Ser (NM_001353891.2, NM_001353892.2); c.1225G>A, p.Gly409Ser (NM_001353893.2, NM_001353894.2); c.1282G>A, p.Gly428Ser (NM_001353895.2); c.1459G>A, p.Gly487Ser (NM_001410756.1, NM_001410757.1); c.1150G>A, p.Gly384Ser (NM_001410758.1); short protein forms G487S, G428S, G443S, G468S, G205S, G384S, G406S, G409S.
Identifiers: ClinVar variation 2955940 (VCV002955940.3), dbSNP rs200272242, ClinGen allele CA327410500.